The following is an entry in ClinVar:

ClinVar aggregate classification (germline): Uncertain significance (0 of 4 stars; one submission).

Conditions:
WDPCP-related disorder. Also called: WDPCP-related condition.

gnomAD v4.1: 9 of 1,613,980 alleles (0.00056%); highest among the groups gnomAD compares: Non-Finnish European, 0.00068%; no homozygotes.

Submission:

PreventionGenetics, part of Exact Sciences
Classification: Uncertain significance for WDPCP-related condition. Last evaluated: 2024-06-17. Review status: no assertion criteria provided. Collection method: clinical testing. Allele origin: germline.
Comment: The WDPCP c.913T>A variant is predicted to result in the amino acid substitution p.Ser305Thr. To our knowledge, this variant has not been reported in the literature or in a large population database, indicating this variant is rare. At this time, the clinical significance of this variant is uncertain due to the absence of conclusive functional and genetic evidence.

NM_015910.7(WDPCP):c.913T>A (p.Ser305Thr)

Gene: WDPCP (WD repeat containing planar cell polarity effector; minus strand). Cytogenetic location: 2p15.
Variant type: single nucleotide variant.
Coding change: c.913T>A on transcript NM_015910.7 (MANE Select); coding-DNA position 913, T replaced by A.
Protein change: p.Ser305Thr; replaces serine 305 with threonine.
Molecular consequence: missense variant. On other transcripts: non-coding transcript variant (3).
Genome position (GRCh38, 1-based): chr2:63,404,570, A>T on the plus strand (T>A on the coding strand, the complement: WDPCP is on the minus strand). VCF-style: chr2-63404570-A-T. GRCh37 (hg19) VCF-style: chr2-63631705-A-T.
Other names: c.436T>A, p.Ser146Thr (NM_001042692.3); c.841T>A, p.Ser281Thr (NM_001354044.2); c.913T>A, p.Ser305Thr (NM_001354045.2); short protein forms S146T, S281T, S305T.
Identifiers: ClinVar variation 3352853 (VCV003352853.1).